The following is an entry in ClinVar:

NM_013352.4(DSE):c.2005A>G (p.Ile669Val)

Gene: DSE (dermatan sulfate epimerase; plus strand). Cytogenetic location: 6q22.1.
Variant type: single nucleotide variant.
Coding change: c.2005A>G on transcript NM_013352.4 (MANE Select); coding-DNA position 2005, A replaced by G.
Protein change: p.Ile669Val; replaces isoleucine 669 with valine.
Molecular consequence: missense variant. On other transcripts: 3 prime UTR variant (2), non-coding transcript variant (1).
Genome position (GRCh38, 1-based): chr6:116,436,473, A>G. VCF-style: chr6-116436473-A-G. GRCh37 (hg19) VCF-style: chr6-116757636-A-G.
Other names: p.Ile669Val; c.2005A>G, p.Ile669Val (NM_001080976.3, NM_001322937.2, NM_001322938.2); c.2062A>G, p.Ile688Val (NM_001322939.2); c.1444A>G, p.Ile482Val (NM_001322940.2, NM_001322941.2); c.*870A>G (NM_001322943.2, NM_001322944.2); c.1006A>G, p.Ile336Val (NM_001374520.1); c.970A>G, p.Ile324Val (NM_001374521.1); short protein forms I669V, I482V, I688V, I336V, I324V.
Identifiers: ClinVar variation 541546 (VCV000541546.16), dbSNP rs145999978, ClinGen allele CA3969742.

ClinVar aggregate classification (germline): Conflicting classifications of pathogenicity. Review status: criteria provided, conflicting classifications (1 of 4 stars). 4 submissions from 4 submitters: Uncertain significance (3); Benign (1). Last evaluated 2026-03-11.

Conditions:
Ehlers-Danlos syndrome, musculocontractural type 2 (EDSMC2). Identifiers: Orphanet 2953, MedGen C3809845, MONDO:0014236, OMIM 615539.

Allele frequency attached by ClinVar (database versions not stated): gnomAD 0.00009 and 0.00011; TOPMed 0.00009; gnomAD exomes 0.00010 and 0.00014; ExAC 0.00015; ESP Exome Variant Server 0.00015.
gnomAD v4.1: 169 of 1,614,180 alleles (0.01%); highest among the groups gnomAD compares: South Asian, 0.07%; 1 homozygote.

Submissions (4):

Women's Health and Genetics/Laboratory Corporation of America, LabCorp
Classification: Uncertain significance. Last evaluated: 2026-03-11. Review status: criteria provided, single submitter. Criteria: LabCorp Variant Classification Summary - May 2015. Collection method: clinical testing. Allele origin: germline.
Comment: Variant summary: DSE c.2005A>G (p.Ile669Val) results in a conservative amino acid change in the encoded protein sequence. Algorithms developed to predict the effect of missense changes on protein structure and function all suggest that this variant is likely to be tolerated. The variant allele was found at a frequency of 0.00014 in 251192 control chromosomes. This frequency is not significantly higher than estimated for disease-causing variants in DSE, allowing no conclusion about variant significance. To our knowledge, no occurrence of c.2005A>G in individuals affected with DSE-related conditions and no experimental evidence demonstrating its impact on protein function have been reported. ClinVar contains an entry for this variant (Variation ID: 541546). Based on the evidence outlined above, the variant was classified as uncertain significance.

GeneDx
Classification: Uncertain significance. Last evaluated: 2025-05-08. Review status: criteria provided, single submitter. Criteria: GeneDx Variant Classification Process June 2021. Collection method: clinical testing. Allele origin: germline. Affected: yes.
Comment: Has not been previously published as pathogenic or benign to our knowledge; In silico analysis suggests that this missense variant does not alter protein structure/function

Mayo Clinic Laboratories, Mayo Clinic
Classification: Benign. Last evaluated: 2023-09-20. Review status: criteria provided, single submitter. Criteria: ACMG Guidelines, 2015. Collection method: clinical testing. Allele origin: germline. Observed: 1 variant allele.
Comment: BS1, BP4_strong

Labcorp Genetics (formerly Invitae), Labcorp
Classification: Uncertain significance for Ehlers-Danlos syndrome, musculocontractural type 2. Last evaluated: 2022-05-09. Review status: criteria provided, single submitter. Criteria: Invitae Variant Classification Sherloc (09022015). Collection method: clinical testing. Allele origin: germline.
Comment: This sequence change replaces isoleucine, which is neutral and non-polar, with valine, which is neutral and non-polar, at codon 669 of the DSE protein (p.Ile669Val). This variant is present in population databases (rs145999978, gnomAD 0.07%). This variant has not been reported in the literature in individuals affected with DSE-related conditions. ClinVar contains an entry for this variant (Variation ID: 541546). Algorithms developed to predict the effect of missense changes on protein structure and function output the following: SIFT: "Not Available"; PolyPhen-2: "Benign"; Align-GVGD: "Not Available". The valine amino acid residue is found in multiple mammalian species, which suggests that this missense change does not adversely affect protein function. In summary, the available evidence is currently insufficient to determine the role of this variant in disease. Therefore, it has been classified as a Variant of Uncertain Significance.